The following is an entry in ClinVar:

ClinVar aggregate classification (germline): Conflicting classifications of pathogenicity. Review status: criteria provided, conflicting classifications (1 of 4 stars). 6 submissions from 6 submitters: Uncertain significance (3); Likely benign (1). 2 of the submissions do not count toward it. Last evaluated 2025-04-13.

Conditions:
Breast and/or ovarian cancer. Identifiers: MedGen CN221562.
Hereditary cancer-predisposing syndrome. Also called: Tumor predisposition; Neoplastic Syndromes, Hereditary; Hereditary Cancer Syndrome; Hereditary neoplastic syndrome. Identifiers: Orphanet 140162, MedGen C0027672, MeSH D009386, MONDO:0015356.
Hereditary breast ovarian cancer syndrome. Also called: Hereditary breast and ovarian cancer syndrome (HBOC); Hereditary breast and ovarian cancer syndrome; Hereditary breast and ovarian cancer; Hereditary breast and/or ovarian cancer syndrome; Breast and ovarian cancer; BRCA1- and BRCA2-Associated Hereditary Breast and Ovarian Cancer. Identifiers: Orphanet 145, MedGen C0677776, MeSH D061325, MONDO:0003582. Disease mechanism: loss of function.
Breast-ovarian cancer, familial, susceptibility to, 1 (BROVCA1). Also called: OVARIAN CANCER, SUSCEPTIBILITY TO; BRCA1 Hereditary Breast and Ovarian Cancer. Identifiers: Orphanet 145, MedGen C2676676, MONDO:0011450, OMIM 604370. Disease mechanism: loss of function.
Malignant tumor of breast. Also called: Malignant breast neoplasm; Cancer breast. Identifiers: MedGen C0006142, MONDO:0007254. Disease mechanism: loss of function.

Allele frequency attached by ClinVar (database versions not stated): gnomAD exomes below 0.00001.
gnomAD v4.1: 1 of 1,614,030 alleles (0.000062%); highest among the groups gnomAD compares: Non-Finnish European, 0.000085%; no homozygotes.

Submissions (6):

Ambry Genetics
Classification: Uncertain significance for Hereditary cancer-predisposing syndrome. Last evaluated: 2025-04-13. Review status: criteria provided, single submitter. Criteria: Ambry Variant Classification Scheme 2023. Collection method: clinical testing. Allele origin: germline.
Comment: The p.C1146S variant (also known as c.3437G>C), located in coding exon 9 of the BRCA1 gene, results from a G to C substitution at nucleotide position 3437. The cysteine at codon 1146 is replaced by serine, an amino acid with dissimilar properties. This variant was observed in 1/3251 individuals who met eligibility criteria for hereditary breast and ovarian cancer syndrome (Lerner-Ellis J et al. J Cancer Res Clin Oncol. 2021 Mar;147(3):871-879). This amino acid position is well conserved in available vertebrate species. In addition, the in silico prediction for this alteration is inconclusive. Based on the available evidence, the clinical significance of this variant remains unclear.

Labcorp Genetics (formerly Invitae), Labcorp
Classification: Uncertain significance for Hereditary breast ovarian cancer syndrome. Last evaluated: 2024-06-21. Review status: criteria provided, single submitter. Criteria: Invitae Variant Classification Sherloc (09022015). Collection method: clinical testing. Allele origin: germline.
Comment: This sequence change replaces cysteine, which is neutral and slightly polar, with serine, which is neutral and polar, at codon 1146 of the BRCA1 protein (p.Cys1146Ser). This variant is not present in population databases (gnomAD no frequency). This variant has not been reported in the literature in individuals affected with BRCA1-related conditions. ClinVar contains an entry for this variant (Variation ID: 54886). Advanced modeling of protein sequence and biophysical properties (such as structural, functional, and spatial information, amino acid conservation, physicochemical variation, residue mobility, and thermodynamic stability) performed at Invitae indicates that this missense variant is not expected to disrupt BRCA1 protein function with a negative predictive value of 95%. In summary, the available evidence is currently insufficient to determine the role of this variant in disease. Therefore, it has been classified as a Variant of Uncertain Significance.

University of Washington Department of Laboratory Medicine, University of Washington
Classification: Likely benign for Hereditary cancer-predisposing syndrome. Last evaluated: 2023-03-23. Review status: criteria provided, single submitter. Criteria: Dines et al. (Genet Med. 2020). Collection method: curation. Allele origin: germline.
Comment: Missense variant in a coldspot region where missense variants are very unlikely to be pathogenic (PMID:31911673).

BRCA1 coldspot (exon 11 using historical exon numbering). Reclassification based on statistical prior probability

CHEO Genetics Diagnostic Laboratory, Children's Hospital of Eastern Ontario
Classification: Uncertain significance for Breast and/or ovarian cancer. Last evaluated: 2017-08-31. Review status: criteria provided, single submitter. Criteria: ACMG Guidelines, 2015. Collection method: clinical testing. Allele origin: germline. Study: Canadian Open Genetics Repository.

Breast Cancer Information Core (BIC) (BRCA1)
Classification: Uncertain significance for Breast-ovarian cancer, familial 1. Last evaluated: 2004-11-25. Review status: no assertion criteria provided. Collection method: clinical testing. Allele origin: germline. Affected: yes. Observed: 1 variant allele. Not counted in ClinVar's aggregate classification.

Department of Pathology and Laboratory Medicine, Sinai Health System
Classification: Uncertain significance for Malignant tumor of breast. Review status: no assertion criteria provided. Collection method: clinical testing. Allele origin: unknown. Affected: yes. Study: The Canadian Open Genetics Repository (COGR). Not counted in ClinVar's aggregate classification.
Comment: The BRCA1 p.Cys1146Ser variant was not identified in the literature nor was it identified in the LOVD 3.0 or UMD-LSDB databases. The variant was identified in dbSNP (ID: rs80357247) as "With Uncertain significance allele" and in ClinVar (classified as uncertain significance by BIC). The variant was not identified in the following control databases: the Exome Aggregation Consortium (August 8th 2016) or the Genome Aggregation Database (Feb 27, 2017). The p.Cys1146 residue is not conserved in mammals and computational analyses (PolyPhen-2, SIFT, AlignGVGD, BLOSUM, MutationTaster) provide inconsistent predictions regarding the impact to the protein; this information is not very predictive of pathogenicity. The variant occurs outside of the splicing consensus sequence and 1 of 4 in silico or computational prediction software programs (SpliceSiteFinder, MaxEntScan, NNSPLICE, GeneSplicer) predict a greater than 10% difference in splicing. However, this information is not predictive enough to assume pathogenicity. In summary, based on the above information, the clinical significance of this variant cannot be determined with certainty at this time. This variant is classified as a variant of uncertain significance.

Literature cited by the submitters: PubMed 32885271 (cited by Ambry Genetics).

NM_007294.4(BRCA1):c.3437G>C (p.Cys1146Ser)

Genes: BRCA1 (BRCA1 DNA repair associated; minus strand), LOC126862571 (BRD4-independent group 4 enhancer GRCh37_chr17:41243136-41244335; plus strand). Cytogenetic location: 17q21.31.
Variant type: single nucleotide variant.
Coding change: c.3437G>C on transcript NM_007294.4 (MANE Select); coding-DNA position 3437, G replaced by C.
Protein change: p.Cys1146Ser; replaces cysteine 1146 with serine.
Molecular consequence: missense variant. On other transcripts: intron variant (135).
Genome position (GRCh38, 1-based): chr17:43,092,094, C>G on the plus strand (G>C on the coding strand, the complement: BRCA1 is on the minus strand). VCF-style: chr17-43092094-C-G. GRCh37 (hg19) VCF-style: chr17-41244111-C-G.
Other names: c.3437G>C, p.Cys1146Ser (NM_001407859.1, NM_007300.4, NM_001407581.1 and 30 more transcripts); c.3434G>C, p.Cys1145Ser (NM_001407860.1, NM_001407861.1, NM_001407587.1 and 22 more transcripts); c.3236G>C, p.Cys1079Ser (NM_001407862.1); c.3314G>C, p.Cys1105Ser (NM_001407863.1, NM_001407919.1, NM_001407937.1 and 19 more transcripts); c.3233G>C, p.Cys1078Ser (NM_001407874.1, NM_001407875.1); c.3227G>C, p.Cys1076Ser (NM_001407879.1, NM_001407881.1, NM_001407882.1 and 13 more transcripts); c.3224G>C, p.Cys1075Ser (NM_001407894.1, NM_001407895.1, NM_001407896.1 and 9 more transcripts); c.3173G>C, p.Cys1058Ser (NM_001407920.1, NM_001407921.1, NM_001407922.1 and 9 more transcripts); and 41 more; short protein forms C1146S, C1099S, C1058S, C1098S, C1018S, C1035S, C1075S, C1078S.
Identifiers: ClinVar variation 54886 (VCV000054886.13), dbSNP rs80357247, ClinGen allele CA002226.